The following is an entry in ClinVar:

NM_024496.4(IRF2BPL):c.1799C>T (p.Pro600Leu)

Gene: IRF2BPL (interferon regulatory factor 2 binding protein like; minus strand). Cytogenetic location: 14q24.3.
Variant type: single nucleotide variant.
Coding change: c.1799C>T on transcript NM_024496.4 (MANE Select); coding-DNA position 1799, C replaced by T.
Protein change: p.Pro600Leu; replaces proline 600 with leucine.
Molecular consequence: missense variant.
Genome position (GRCh38, 1-based): chr14:77,025,994, G>A on the plus strand (C>T on the coding strand, the complement: IRF2BPL is on the minus strand). VCF-style: chr14-77025994-G-A. GRCh37 (hg19) VCF-style: chr14-77492337-G-A.
Other names: short protein forms P600L.
Identifiers: ClinVar variation 1047920 (VCV001047920.3), dbSNP rs1885102913, ClinGen allele CA390491734.
Genomic context (GRCh38, chr14:77,025,994, plus strand): 5'-CCGTTCTGGGGGGCTGACTCAGGTGGGGTGGTCCGGTTGGAATGGGGTCCCAGAGGTGGG[G>A]GCGGCGGAGGCGGACCCCCCGCCGCGTGCCCCGGCGCCGCGAAGCCCCCGGCGGACATGG-3'
Protein context (NP_078772.1, residues 590-610): GHAAGGPPPP[Pro600Leu]PPLGPHSNRT

ClinVar aggregate classification (germline): Uncertain significance (1 of 4 stars; one submission).

Conditions:
Neurodevelopmental disorder with regression, abnormal movements, loss of speech, and seizures. Identifiers: Orphanet 597623, MedGen C4748127, MONDO:0060759, OMIM 618088.

Allele frequency attached by ClinVar (database versions not stated): TOPMed below 0.00001.

Submission:

Breda Genetics srl
Classification: Uncertain significance for Neurodevelopmental disorder with regression, abnormal movements, loss of speech, and seizures. Last evaluated: 2020-04-30. Review status: criteria provided, single submitter. Criteria: ACMG Guidelines, 2015. Collection method: clinical testing. Allele origin: germline. Inheritance: Autosomal dominant inheritance. Affected: yes. Observed: 1 variant allele, 1 heterozygote.
Comment: The variant c.1799C>T (p.Pro600Leu) in the IRF2BPL gene has not been reported in dbSNP, gnomAD, 1000 Genomes, NHLI Exome Sequencing Project (ESP) or ClinVar. The nucleotide position is moderately conserved across 35 mammalian species (GERP RS: 3.54). In silico analysis indicates that the variant might be damaging. Based on ACMG variant interpretation guidelines we classify this variant as uncertain; however we cannot exclude that it is a rare benign variant.